The following is an entry in ClinVar:

NM_001329943.3(KIAA0586):c.524C>T (p.Ser175Leu)

Gene: KIAA0586 (KIAA0586; plus strand). Cytogenetic location: 14q23.1.
Variant type: single nucleotide variant.
Coding change: c.524C>T on transcript NM_001329943.3 (MANE Select); coding-DNA position 524, C replaced by T.
Protein change: p.Ser175Leu; replaces serine 175 with leucine.
Molecular consequence: missense variant.
Genome position (GRCh38, 1-based): chr14:58,442,819, C>T. VCF-style: chr14-58442819-C-T. GRCh37 (hg19) VCF-style: chr14-58909537-C-T.
Other names: c.683C>T, p.Ser228Leu (NM_001244189.2); c.479C>T, p.Ser160Leu (NM_001244190.2); c.269C>T, p.Ser90Leu (NM_001244191.2, NM_001329945.2, NM_001364700.1 and 1 more transcripts); c.392C>T, p.Ser131Leu (NM_001244192.2); c.104C>T, p.Ser35Leu (NM_001244193.2); c.524C>T, p.Ser175Leu (NM_001329944.2, NM_001329946.2, NM_001329947.2 and 1 more transcripts); short protein forms S131L, S160L, S175L, S228L, S35L, S90L.
Identifiers: ClinVar variation 2420533 (VCV002420533.3), dbSNP rs2542789250, ClinGen allele CA389861887.

ClinVar aggregate classification (germline): Uncertain significance (1 of 4 stars; one submission).

Conditions:
Short-rib thoracic dysplasia 14 with polydactyly (SRTD14). Identifiers: Orphanet 397715, MedGen C4225286, MONDO:0014688, OMIM 616546.
Joubert syndrome 23 (JBTS23). Identifiers: Orphanet 475, MedGen C4084822, MONDO:0014664, OMIM 616490.

Allele frequency attached by ClinVar (database versions not stated): gnomAD exomes below 0.00001.
gnomAD v4.1: 1 of 1,610,518 alleles (0.000062%); highest among the groups gnomAD compares: Admixed American, 0.0017%; no homozygotes.

Submission:

Labcorp Genetics (formerly Invitae), Labcorp
Classification: Uncertain significance for Joubert syndrome 23; Short-rib thoracic dysplasia 14 with polydactyly. Last evaluated: 2022-08-09. Review status: criteria provided, single submitter. Criteria: Invitae Variant Classification Sherloc (09022015). Collection method: clinical testing. Allele origin: germline.
Comment: This sequence change replaces serine, which is neutral and polar, with leucine, which is neutral and non-polar, at codon 228 of the KIAA0586 protein (p.Ser228Leu). This variant is not present in population databases (gnomAD no frequency). This variant has not been reported in the literature in individuals affected with KIAA0586-related conditions. Algorithms developed to predict the effect of missense changes on protein structure and function are either unavailable or do not agree on the potential impact of this missense change (SIFT: "Deleterious"; PolyPhen-2: "Probably Damaging"; Align-GVGD: "Class C0"). In summary, the available evidence is currently insufficient to determine the role of this variant in disease. Therefore, it has been classified as a Variant of Uncertain Significance.